The following is an entry in ClinVar:

NM_006306.4(SMC1A):c.1082A>G (p.Gln361Arg)

Gene: SMC1A (structural maintenance of chromosomes 1A; minus strand). Cytogenetic location: Xp11.22.
Variant type: single nucleotide variant.
Coding change: c.1082A>G on transcript NM_006306.4 (MANE Select); coding-DNA position 1082, A replaced by G.
Protein change: p.Gln361Arg; replaces glutamine 361 with arginine.
Molecular consequence: missense variant.
Genome position (GRCh38, 1-based): chrX:53,412,026, T>C on the plus strand (A>G on the coding strand, the complement: SMC1A is on the minus strand). VCF-style: chrX-53412026-T-C. GRCh37 (hg19) VCF-style: chrX-53438976-T-C.
Other names: c.1016A>G, p.Gln339Arg (NM_001281463.1); short protein forms Q339R, Q361R.
Identifiers: ClinVar variation 4072791 (VCV004072791.1).

ClinVar aggregate classification (germline): Uncertain significance (1 of 4 stars; one submission).

Submission:

GeneDx
Classification: Uncertain significance. Last evaluated: 2025-02-04. Review status: criteria provided, single submitter. Criteria: GeneDx Variant Classification Process June 2021. Collection method: clinical testing. Allele origin: germline. Affected: yes.
Comment: Not observed at significant frequency in large population cohorts (gnomAD); Missense variants in this gene are a common cause of disease and they are underrepresented in the general population; In silico analysis indicates that this missense variant does not alter protein structure/function; Has not been previously published as pathogenic or benign to our knowledge